The following is an entry in ClinVar:

ClinVar aggregate classification (germline): Uncertain significance. Review status: criteria provided, multiple submitters, no conflicts (2 of 4 stars). 4 submissions from 3 submitters: Uncertain significance (4). Last evaluated 2024-09-23.

Conditions:
Polydactyly, postaxial, type A1. Identifiers: MedGen C4282400, MONDO:0008266, OMIM 174200.
Pallister-Hall syndrome (PHS). Also called: HYPOTHALAMIC HAMARTOBLASTOMA, HYPOPITUITARISM, IMPERFORATE ANUS, AND POSTAXIAL POLYDACTYLY; GLI3-Related Pallister-Hall Syndrome. Identifiers: Orphanet 672, MedGen C0265220, MONDO:0007804, OMIM 146510.
Greig cephalopolysyndactyly syndrome (GCPS). Also called: Greig syndrome; POLYSYNDACTYLY WITH PECULIAR SKULL SHAPE; GLI3-Related Greig Cephalopolysyndactyly Syndrome. Identifiers: Orphanet 380, MedGen C0265306, MONDO:0008287, OMIM 175700.
Polysyndactyly 4. Also called: Polysyndactyly uncomplicated; Preaxial polydactyly 4. Identifiers: Orphanet 93338, MedGen C1868111, MONDO:0008272, OMIM 174700.
Polydactyly. Also called: polydactylism. Identifiers: MedGen C0152427, MONDO:0021003, OMIM 603596, HP:0010442.

Allele frequency attached by ClinVar (database versions not stated): ExAC 0.00002; gnomAD exomes 0.00002; TOPMed 0.00002; gnomAD 0.00004 and 0.00005; ESP Exome Variant Server 0.00015.
gnomAD v4.1: 36 of 1,613,640 alleles (0.0022%); highest among the groups gnomAD compares: South Asian, 0.012%; no homozygotes.

Submissions (4):

GeneDx
Classification: Uncertain significance. Last evaluated: 2024-09-23. Review status: criteria provided, single submitter. Criteria: GeneDx Variant Classification Process June 2021. Collection method: clinical testing. Allele origin: germline. Affected: yes.
Comment: In silico analysis supports that this missense variant has a deleterious effect on protein structure/function; Has not been previously published as pathogenic or benign to our knowledge

Fulgent Genetics
Classification: Uncertain significance for Pallister-Hall syndrome; Polydactyly, postaxial, type A1; Polysyndactyly 4; Greig cephalopolysyndactyly syndrome. Last evaluated: 2021-11-16. Review status: criteria provided, single submitter. Criteria: ACMG Guidelines, 2015. Collection method: clinical testing. Allele origin: unknown.

Illumina Laboratory Services, Illumina
Classification: Uncertain significance for Polydactyly. Last evaluated: 2017-04-27. Review status: criteria provided, single submitter. Criteria: ICSL Variant Classification Criteria 13 December 2019. Collection method: clinical testing. Allele origin: germline.

Illumina Laboratory Services, Illumina
Classification: Uncertain significance for Greig cephalopolysyndactyly syndrome. Last evaluated: 2017-04-27. Review status: criteria provided, single submitter. Criteria: ICSL Variant Classification Criteria 13 December 2019. Collection method: clinical testing. Allele origin: germline.

NM_000168.6(GLI3):c.1540G>A (p.Val514Met)

Gene: GLI3 (GLI family zinc finger 3; minus strand). Cytogenetic location: 7p14.1.
Variant type: single nucleotide variant.
Coding change: c.1540G>A on transcript NM_000168.6 (MANE Select); coding-DNA position 1540, G replaced by A.
Protein change: p.Val514Met; replaces valine 514 with methionine.
Molecular consequence: missense variant.
Genome position (GRCh38, 1-based): chr7:41,978,706, C>T on the plus strand (G>A on the coding strand, the complement: GLI3 is on the minus strand). VCF-style: chr7-41978706-C-T. GRCh37 (hg19) VCF-style: chr7-42018305-C-T.
Other names: short protein forms V514M.
Identifiers: ClinVar variation 910024 (VCV000910024.6), dbSNP rs148502119, ClinGen allele CA4230806.